The following is an entry in ClinVar:

ClinVar aggregate classification (germline): Uncertain significance (1 of 4 stars; one submission).

Conditions:
Juvenile polyposis syndrome (JPS). Identifiers: Orphanet 2929, MedGen C0345893, MONDO:0017380, OMIM 174900.

Submission:

Labcorp Genetics (formerly Invitae), Labcorp
Classification: Uncertain significance for Juvenile polyposis syndrome. Last evaluated: 2021-04-12. Review status: criteria provided, single submitter. Criteria: Invitae Variant Classification Sherloc (09022015). Collection method: clinical testing. Allele origin: germline.
Comment: In summary, the available evidence is currently insufficient to determine the role of this variant in disease. Therefore, it has been classified as a Variant of Uncertain Significance. Advanced modeling of protein sequence and biophysical properties (such as structural, functional, and spatial information, amino acid conservation, physicochemical variation, residue mobility, and thermodynamic stability) performed at Invitae indicates that this missense variant is not expected to disrupt BMPR1A protein function. This variant has not been reported in the literature in individuals with BMPR1A-related conditions. This variant is not present in population databases (ExAC no frequency). This sequence change replaces proline with alanine at codon 201 of the BMPR1A protein (p.Pro201Ala). The proline residue is highly conserved and there is a small physicochemical difference between proline and alanine.

NM_004329.3(BMPR1A):c.601C>G (p.Pro201Ala)

Gene: BMPR1A (bone morphogenetic protein receptor type 1A; plus strand). Cytogenetic location: 10q23.2.
Variant type: single nucleotide variant.
Coding change: c.601C>G on transcript NM_004329.3 (MANE Select); coding-DNA position 601, C replaced by G.
Protein change: p.Pro201Ala; replaces proline 201 with alanine.
Molecular consequence: missense variant.
Genome position (GRCh38, 1-based): chr10:86,912,310, C>G. VCF-style: chr10-86912310-C-G. GRCh37 (hg19) VCF-style: chr10-88672067-C-G.
Other names: short protein forms P201A.
Identifiers: ClinVar variation 1482130 (VCV001482130.8), dbSNP rs2133545205, ClinGen allele CA377454686.